The following is an entry in ClinVar:

NM_003320.5(TUB):c.203G>A (p.Arg68His)

Gene: TUB (TUB bipartite transcription factor; plus strand). Cytogenetic location: 11p15.4.
Variant type: single nucleotide variant.
Coding change: c.203G>A on transcript NM_003320.5; coding-DNA position 203, G replaced by A.
Protein change: p.Arg68His; replaces arginine 68 with histidine.
Molecular consequence: missense variant. On other transcripts: intron variant (4).
Genome position (GRCh38, 1-based): chr11:8,039,692, G>A. VCF-style: chr11-8039692-G-A. GRCh37 (hg19) VCF-style: chr11-8061239-G-A.
Other names: c.56+20334G>A (NM_001440538.1, NM_001440539.1, NM_001440540.1 and 1 more transcripts); short protein forms R68H.
Identifiers: ClinVar variation 854041 (VCV000854041.10), dbSNP rs745541617, ClinGen allele CA5870860.

ClinVar aggregate classification (germline): Uncertain significance. Review status: criteria provided, multiple submitters, no conflicts (2 of 4 stars). 3 submissions from 3 submitters: Uncertain significance (2). 1 of the submissions does not count toward it. Last evaluated 2024-06-24.

Conditions:
TUB-related disorder. Also called: TUB-related condition.

Allele frequency attached by ClinVar (database versions not stated): TOPMed 0.00014; gnomAD exomes 0.00018 and 0.00003; ExAC 0.00035.
gnomAD v4.1: 53 of 1,535,034 alleles (0.0035%); highest among the groups gnomAD compares: East Asian, 0.064%; no homozygotes.

Submissions (3):

Blueprint Genetics
Classification: Uncertain significance. Last evaluated: 2024-06-24. Review status: criteria provided, single submitter. Criteria: ACMG Guidelines, 2015. Collection method: clinical testing. Allele origin: germline.

Labcorp Genetics (formerly Invitae), Labcorp
Classification: Uncertain significance. Last evaluated: 2023-12-18. Review status: criteria provided, single submitter. Criteria: Invitae Variant Classification Sherloc (09022015). Collection method: clinical testing. Allele origin: germline.
Comment: This sequence change replaces arginine, which is basic and polar, with histidine, which is basic and polar, at codon 68 of the TUB protein (p.Arg68His). This variant is present in population databases (rs745541617, gnomAD 0.2%). This variant has not been reported in the literature in individuals affected with TUB-related conditions. ClinVar contains an entry for this variant (Variation ID: 854041). An algorithm developed to predict the effect of missense changes on protein structure and function (PolyPhen-2) suggests that this variant¬†is likely to be tolerated. Algorithms developed to predict the effect of sequence changes on RNA splicing suggest that this variant may disrupt the consensus splice site. In summary, the available evidence is currently insufficient to determine the role of this variant in disease. Therefore, it has been classified as a Variant of Uncertain Significance.

PreventionGenetics, part of Exact Sciences
Classification: Likely benign for TUB-related condition. Last evaluated: 2023-06-23. Review status: no assertion criteria provided. Collection method: clinical testing. Allele origin: germline. Not counted in ClinVar's aggregate classification.
Comment: This variant is classified as likely benign based on ACMG/AMP sequence variant interpretation guidelines (Richards et al. 2015 PMID: 25741868, with internal and published modifications).